The following is an entry in ClinVar:

ClinVar aggregate classification (germline): Pathogenic (1 of 4 stars; one submission).

Conditions:
Primary ciliary dyskinesia. Also called: Ciliary dyskinesia. Identifiers: Orphanet 244, MedGen C0008780, MONDO:0016575, HP:0012265.

Submission:

Labcorp Genetics (formerly Invitae), Labcorp
Classification: Pathogenic for Primary ciliary dyskinesia. Last evaluated: 2022-08-27. Review status: criteria provided, single submitter. Criteria: Invitae Variant Classification Sherloc (09022015). Collection method: clinical testing. Allele origin: germline.
Comment: For these reasons, this variant has been classified as Pathogenic. This variant has not been reported in the literature in individuals affected with DNAI2-related conditions. This variant is not present in population databases (gnomAD no frequency). This sequence change creates a premature translational stop signal (p.Ala454Profs*42) in the DNAI2 gene. It is expected to result in an absent or disrupted protein product. Loss-of-function variants in DNAI2 are known to be pathogenic (PMID: 18950741, 23891469).

Literature cited by the submitters: PubMed 18950741; PubMed 23891469.

NM_023036.6(DNAI2):c.1360del (p.Ala454fs)

Gene: DNAI2 (dynein axonemal intermediate chain 2; plus strand). Cytogenetic location: 17q25.1.
Variant type: Deletion.
Coding change: c.1360del on transcript NM_023036.6 (MANE Select); coding-DNA position 1360, one base deleted (G; older notation c.1360delG).
Protein change: p.Ala454fs; shifts the reading frame from alanine 454.
Molecular consequence: frameshift variant. On other transcripts: non-coding transcript variant (1), intron variant (1).
Genome position (GRCh38, 1-based): chr17:74,310,029, G deleted; the last of 2 consecutive G bases (chr17:74,310,028-74,310,029); deleting either gives the same sequence. VCF-style (leftmost placement, unchanged base first): chr17-74310027-AG-A. GRCh37 (hg19) VCF-style: chr17-72306166-AG-A.
Other names: c.1360del, p.Ala454fs (NM_001353167.2); c.1348-24del (NM_001172810.3); short protein forms A454fs.
Identifiers: ClinVar variation 2141831 (VCV002141831.4), dbSNP rs2509766413, ClinGen allele CA2580095134.